The following is an entry in ClinVar:

NM_012144.4(DNAI1):c.1653C>G (p.Tyr551Ter)

Gene: DNAI1 (dynein axonemal intermediate chain 1; plus strand). Cytogenetic location: 9p13.3.
Variant type: single nucleotide variant.
Coding change: c.1653C>G on transcript NM_012144.4 (MANE Select); coding-DNA position 1653, C replaced by G.
Protein change: p.Tyr551Ter; replaces tyrosine 551 with a stop codon.
Molecular consequence: nonsense.
Genome position (GRCh38, 1-based): chr9:34,514,477, C>G. VCF-style: chr9-34514477-C-G. GRCh37 (hg19) VCF-style: chr9-34514475-C-G.
Other names: c.1665C>G, p.Tyr555Ter (NM_001281428.2); short protein forms Y555*, Y551*.
Identifiers: ClinVar variation 2883712 (VCV002883712.4), dbSNP rs1294734737, ClinGen allele CA373263549.

ClinVar aggregate classification (germline): Pathogenic/Likely pathogenic. Review status: criteria provided, multiple submitters, no conflicts (2 of 4 stars). 2 submissions from 2 submitters: Pathogenic (1); Likely pathogenic (1). Last evaluated 2024-01-10.

Conditions:
Primary ciliary dyskinesia. Also called: Ciliary dyskinesia. Identifiers: Orphanet 244, MedGen C0008780, MONDO:0016575, HP:0012265.
Kartagener syndrome (CILD1). Also called: CILIARY DYSKINESIA, PRIMARY, 1; CILIARY DYSKINESIA, PRIMARY, 1, WITH OR WITHOUT SITUS INVERSUS; IMMOTILE CILIA SYNDROME; POLYNESIAN BRONCHIECTASIS; Dextrocardia bronchiectasis and sinusitis; SIEWERT SYNDROME. Identifiers: Orphanet 244, MedGen C4551906, MONDO:0009484, OMIM 244400.

Submissions (2):

Fulgent Genetics
Classification: Likely pathogenic for Kartagener syndrome. Last evaluated: 2024-01-10. Review status: criteria provided, single submitter. Criteria: ACMG Guidelines, 2015. Collection method: clinical testing. Allele origin: germline.

Labcorp Genetics (formerly Invitae), Labcorp
Classification: Pathogenic for Primary ciliary dyskinesia. Last evaluated: 2022-11-08. Review status: criteria provided, single submitter. Criteria: Invitae Variant Classification Sherloc (09022015). Collection method: clinical testing. Allele origin: germline.
Comment: For these reasons, this variant has been classified as Pathogenic. This variant has not been reported in the literature in individuals affected with DNAI1-related conditions. This variant is not present in population databases (gnomAD no frequency). This sequence change creates a premature translational stop signal (p.Tyr551*) in the DNAI1 gene. It is expected to result in an absent or disrupted protein product. Loss-of-function variants in DNAI1 are known to be pathogenic (PMID: 16858015, 29363216).

Literature cited by the submitters: PubMed 16858015 (cited by Labcorp Genetics (formerly Invitae), Labcorp); PubMed 29363216 (cited by Labcorp Genetics (formerly Invitae), Labcorp).